The following is an entry in ClinVar:

NM_001042492.3(NF1):c.3873A>G (p.Val1291=)

Gene: NF1 (neurofibromin 1; plus strand). Cytogenetic location: 17q11.2.
Variant type: single nucleotide variant.
Coding change: c.3873A>G on transcript NM_001042492.3 (MANE Select); coding-DNA position 3873, A replaced by G.
Protein change: p.Val1291=; no amino-acid change (valine 1291 retained).
Molecular consequence: synonymous variant.
Genome position (GRCh38, 1-based): chr17:31,235,920, A>G. VCF-style: chr17-31235920-A-G. GRCh37 (hg19) VCF-style: chr17-29562938-A-G.
Other names: c.3873A>G, p.Val1291= (NM_000267.4).
Identifiers: ClinVar variation 824325 (VCV000824325.12), dbSNP rs1250496630, ClinGen allele CA499232657.

ClinVar aggregate classification (germline): Benign/Likely benign. Review status: criteria provided, multiple submitters, no conflicts (2 of 4 stars). 3 submissions from 3 submitters: Benign (1); Likely benign (2). Last evaluated 2026-05-19.

Conditions:
Cardiovascular phenotype. Identifiers: MedGen CN230736.
Hereditary cancer-predisposing syndrome. Also called: Tumor predisposition; Hereditary Cancer Syndrome; Hereditary neoplastic syndrome; Neoplastic Syndromes, Hereditary. Identifiers: Orphanet 140162, MedGen C0027672, MeSH D009386, MONDO:0015356.
Neurofibromatosis, type 1 (NF1). Also called: NEUROFIBROMATOSIS, TYPE I, SOMATIC; Peripheral type neurofibromatosis; VON RECKLINGHAUSEN DISEASE; Neurofibromatosis, type I. Identifiers: Orphanet 636, MedGen C0027831, MONDO:0018975, OMIM 162200. Disease mechanism: loss of function.

Allele frequency attached by ClinVar (database versions not stated): gnomAD 0.00001 and below 0.00001; gnomAD exomes 0.00001.
gnomAD v4.1: 17 of 1,613,352 alleles (0.0011%); highest among the groups gnomAD compares: Admixed American, 0.0017%; no homozygotes.

Submissions (3):

Myriad Genetics, Inc.
Classification: Benign for Neurofibromatosis, type 1. Last evaluated: 2026-05-19. Review status: criteria provided, single submitter. Criteria: Myriad Autosomal Dominant, Autosomal Recessive and X-Linked Classification Criteria (2023). Collection method: clinical testing. Allele origin: unknown.
Comment: This variant is considered benign. This variant is a silent/synonymous amino acid change and it is not expected to impact splicing.

Labcorp Genetics (formerly Invitae), Labcorp
Classification: Likely benign for Neurofibromatosis, type 1. Last evaluated: 2025-08-29. Review status: criteria provided, single submitter. Criteria: Invitae Variant Classification Sherloc (09022015). Collection method: clinical testing. Allele origin: germline.

Ambry Genetics
Classification: Likely benign for Cardiovascular phenotype; Hereditary cancer-predisposing syndrome. Last evaluated: 2017-12-14. Review status: criteria provided, single submitter. Criteria: Ambry Variant Classification Scheme 2023. Collection method: clinical testing. Allele origin: germline.